The following is an entry in ClinVar:

NM_006073.3(TRDN):c.-573A>C

Gene: TRDN (triadin; minus strand). Cytogenetic location: 6q22.31.
Variant type: single nucleotide variant.
Coding change: c.-573A>C on transcript NM_006073.3; 573 bases upstream of the start codon, A replaced by C.
Genome position (GRCh38, 1-based): chr6:123,637,348, T>G on the plus strand (A>C on the coding strand, the complement: TRDN is on the minus strand). VCF-style: chr6-123637348-T-G. GRCh37 (hg19) VCF-style: chr6-123958493-T-G.
Identifiers: ClinVar variation 681012 (VCV000681012.3), dbSNP rs3813325, ClinGen allele CA147322331.

ClinVar aggregate classification (germline): Benign (1 of 4 stars; one submission).

Allele frequency attached by ClinVar (database versions not stated): gnomAD 0.08529 and 0.08644; TOPMed 0.08818; 1000 Genomes Project 30x 0.09463; 1000 Genomes Project 0.09545.

Submission:

GeneDx
Classification: Benign. Last evaluated: 2018-06-14. Review status: criteria provided, single submitter. Criteria: GeneDx Variant Classification (06012015). Collection method: clinical testing. Allele origin: germline. Affected: yes.
Comment: This variant is considered likely benign or benign based on one or more of the following criteria: it is a conservative change, it occurs at a poorly conserved position in the protein, it is predicted to be benign by multiple in silico algorithms, and/or has population frequency not consistent with disease.